The following is an entry in ClinVar:

ClinVar aggregate classification (germline): Uncertain significance (1 of 4 stars; one submission).

Conditions:
Episodic pain syndrome, familial, 2 (FEPS2). Identifiers: Orphanet 306577, MedGen C3809893, MONDO:0014246, OMIM 615551.

gnomAD v4.1: 30 of 1,572,350 alleles (0.0019%); highest among the groups gnomAD compares: Non-Finnish European, 0.0024%; no homozygotes.

Submission:

Rare Kidney Stone Consortium and the Mayo Clinic Hyperoxaluria Center, Mayo Clinic
Classification: Uncertain significance for Episodic pain syndrome, familial, 2. Last evaluated: 2025-10-03. Review status: criteria provided, single submitter. Criteria: ACMG Guidelines, 2015. Collection method: research. Allele origin: germline. Observed: 1 variant allele.
Comment: ACMG:PM1, PP3

Literature cited by the submitters: PubMed 39226896; PubMed 40794449.

NM_006514.4(SCN10A):c.4417G>A (p.Val1473Met)

Gene: SCN10A (sodium voltage-gated channel alpha subunit 10; minus strand). Cytogenetic location: 3p22.2.
Variant type: single nucleotide variant.
Coding change: c.4417G>A on transcript NM_006514.4 (MANE Select); coding-DNA position 4417, G replaced by A.
Protein change: p.Val1473Met; replaces valine 1473 with methionine.
Molecular consequence: missense variant.
Genome position (GRCh38, 1-based): chr3:38,702,079, C>T on the plus strand (G>A on the coding strand, the complement: SCN10A is on the minus strand). VCF-style: chr3-38702079-C-T. GRCh37 (hg19) VCF-style: chr3-38743570-C-T.
Other names: c.4414G>A, p.Val1472Met (NM_001293306.2); c.4123G>A, p.Val1375Met (NM_001293307.2); short protein forms V1375M, V1472M, V1473M.
Identifiers: ClinVar variation 4526805 (VCV004526805.1).